The following is an entry in ClinVar:

NM_014159.7(SETD2):c.3677C>T (p.Pro1226Leu)

Gene: SETD2 (SET domain containing 2, histone lysine methyltransferase; minus strand). Cytogenetic location: 3p21.31.
Variant type: single nucleotide variant.
Coding change: c.3677C>T on transcript NM_014159.7 (MANE Select); coding-DNA position 3677, C replaced by T.
Protein change: p.Pro1226Leu; replaces proline 1226 with leucine.
Molecular consequence: missense variant. On other transcripts: non-coding transcript variant (1).
Genome position (GRCh38, 1-based): chr3:47,120,959, G>A on the plus strand (C>T on the coding strand, the complement: SETD2 is on the minus strand). VCF-style: chr3-47120959-G-A. GRCh37 (hg19) VCF-style: chr3-47162449-G-A.
Other names: c.3545C>T, p.Pro1182Leu (NM_001349370.3); short protein forms P1182L, P1226L.
Identifiers: ClinVar variation 833639 (VCV000833639.24), dbSNP rs776766535, ClinGen allele CA2363344.

ClinVar aggregate classification (germline): Likely benign. Review status: criteria provided, multiple submitters, no conflicts (2 of 4 stars). 2 submissions from 2 submitters: Likely benign (2). Last evaluated 2024-09-01.

Conditions:
Luscan-Lumish syndrome. Identifiers: Orphanet 597738, MedGen C4085873, MONDO:0014791, OMIM 616831.

Allele frequency attached by ClinVar (database versions not stated): TOPMed below 0.00001; ExAC 0.00001; gnomAD 0.00001; gnomAD exomes 0.00001 and 0.00004.
gnomAD v4.1: 54 of 1,614,038 alleles (0.0033%); highest among the groups gnomAD compares: Non-Finnish European, 0.0044%; no homozygotes.

Submissions (2):

CeGaT Center for Human Genetics Tuebingen
Classification: Likely benign. Last evaluated: 2024-09-01. Review status: criteria provided, single submitter. Criteria: CeGaT Center For Human Genetics Tuebingen Variant Classification Criteria Version 2. Collection method: clinical testing. Allele origin: germline. Affected: yes. Observed: 2 variant alleles.
Comment: SETD2: BS2

Labcorp Genetics (formerly Invitae), Labcorp
Classification: Likely benign for Luscan-Lumish syndrome. Last evaluated: 2019-08-22. Review status: criteria provided, single submitter. Criteria: Invitae Variant Classification Sherloc (09022015). Collection method: clinical testing. Allele origin: germline.